The following is an entry in ClinVar:

NM_022436.3(ABCG5):c.1168C>A (p.Leu390Ile)

Genes: ABCG5 (ATP binding cassette subfamily G member 5; minus strand), DYNC2LI1 (dynein cytoplasmic 2 light intermediate chain 1; plus strand). Cytogenetic location: 2p21.
Variant type: single nucleotide variant.
Coding change: c.1168C>A on transcript NM_022436.3 (MANE Select); coding-DNA position 1168, C replaced by A.
Protein change: p.Leu390Ile; replaces leucine 390 with isoleucine.
Molecular consequence: missense variant. On other transcripts: intron variant (2).
Genome position (GRCh38, 1-based): chr2:43,824,069, G>T on the plus strand (C>A on the coding strand, the complement: ABCG5 is on the minus strand). VCF-style: chr2-43824069-G-T. GRCh37 (hg19) VCF-style: chr2-44051208-G-T.
Other names: c.*16-3317G>T (NM_001348913.2, NM_001348912.2); short protein forms L390I.
Identifiers: ClinVar variation 4998347 (VCV004998347.1).

ClinVar aggregate classification (germline): Uncertain significance (1 of 4 stars; one submission).

Conditions:
ABCG5-related disorder. Also called: ABCG5-related condition.

gnomAD v4.1: 1 of 1,614,222 alleles (0.000062%); no homozygotes.

Submission:

PreventionGenetics, part of Exact Sciences
Classification: Uncertain significance for ABCG5-related condition. Last evaluated: 2025-01-27. Review status: criteria provided, single submitter. Criteria: ACMG Guidelines, 2015. Collection method: clinical testing. Allele origin: germline.
Comment: The ABCG5 c.1168C>A variant is predicted to result in the amino acid substitution p.Leu390Ile. To our knowledge, this variant has not been reported in the literature or in a large population database (gnomAD), indicating this variant is rare. At this time, the clinical significance of this variant is uncertain due to the absence of conclusive functional and genetic evidence.